The following is an entry in ClinVar:

ClinVar aggregate classification (germline): Pathogenic (1 of 4 stars; one submission).

Submission:

Labcorp Genetics (formerly Invitae), Labcorp
Classification: Pathogenic. Last evaluated: 2022-04-20. Review status: criteria provided, single submitter. Criteria: Invitae Variant Classification Sherloc (09022015). Collection method: clinical testing. Allele origin: germline.
Comment: This sequence change creates a premature translational stop signal (p.Arg602Alafs*4) in the TCF12 gene. It is expected to result in an absent or disrupted protein product. Loss-of-function variants in TCF12 are known to be pathogenic (PMID: 23354436, 32620954). This variant is not present in population databases (gnomAD no frequency). This variant has not been reported in the literature in individuals affected with TCF12-related conditions. For these reasons, this variant has been classified as Pathogenic.

Literature cited by the submitters: PubMed 23354436; PubMed 32620954.

NM_207037.2(TCF12):c.1804_1805del (p.Arg602fs)

Gene: TCF12 (transcription factor 12; plus strand). Cytogenetic location: 15q21.3.
Variant type: Microsatellite.
Coding change: c.1804_1805del on transcript NM_207037.2 (MANE Select); coding-DNA positions 1804 to 1805, 2 bases deleted (AG; older notation c.1804_1805delAG).
Protein change: p.Arg602fs; shifts the reading frame from arginine 602.
Molecular consequence: frameshift variant.
Genome position (GRCh38, 1-based): chr15:57,273,088-57,273,089, AG deleted; deleting any 2 consecutive bases within chr15:57,273,085-57,273,089 gives the same sequence; the c. name uses the placement nearest the transcript's 3' end. VCF-style (leftmost placement, unchanged base first): chr15-57273084-GGA-G. GRCh37 (hg19) VCF-style: chr15-57565282-GGA-G.
Other names: c.1294_1295del, p.Arg432fs (NM_001306219.3); c.1024_1025del, p.Arg342fs (NM_001306220.3); c.1804_1805del, p.Arg602fs (NM_001322151.2, NM_001322159.3, NM_001322162.2 and 1 more transcripts); c.1801_1802del, p.Arg601fs (NM_001322152.2, NM_001322161.2); c.1147_1148del, p.Arg383fs (NM_001322154.2); c.1630_1631del, p.Arg544fs (NM_001322156.2); c.1732_1733del, p.Arg578fs (NM_001322157.3, NM_001322165.2, NM_003205.4 and 1 more transcripts); c.1558_1559del, p.Arg520fs (NM_001322158.2); and 2 more; short protein forms R432fs, R578fs, R342fs, R520fs, R544fs, R383fs, R408fs, R590fs.
Identifiers: ClinVar variation 2128244 (VCV002128244.4), dbSNP rs2551501177, ClinGen allele CA2580613844.